The following is an entry in ClinVar:

ClinVar aggregate classification (germline): Uncertain significance (1 of 4 stars; one submission).

Submission:

GeneDx
Classification: Uncertain significance. Last evaluated: 2025-07-23. Review status: criteria provided, single submitter. Criteria: GeneDx Variant Classification Process June 2021. Collection method: clinical testing. Allele origin: germline. Affected: yes.
Comment: Not observed at significant frequency in large population cohorts (gnomAD); In silico analysis supports that this missense variant has a deleterious effect on protein structure/function; Has not been previously published as pathogenic or benign to our knowledge; This variant is associated with the following publications: (PMID: 25641508)

NM_001278116.2(L1CAM):c.548A>C (p.Glu183Ala)

Gene: L1CAM (L1 cell adhesion molecule; minus strand). Cytogenetic location: Xq28.
Variant type: single nucleotide variant.
Coding change: c.548A>C on transcript NM_001278116.2 (MANE Select); coding-DNA position 548, A replaced by C.
Protein change: p.Glu183Ala; replaces glutamic acid 183 with alanine.
Molecular consequence: missense variant.
Genome position (GRCh38, 1-based): chrX:153,870,936, T>G on the plus strand (A>C on the coding strand, the complement: L1CAM is on the minus strand). VCF-style: chrX-153870936-T-G. GRCh37 (hg19) VCF-style: chrX-153136391-T-G.
Other names: c.548A>C, p.Glu183Ala (NM_000425.5, NM_024003.3); c.533A>C, p.Glu178Ala (NM_001143963.2); short protein forms E178A, E183A.
Identifiers: ClinVar variation 4686773 (VCV004686773.1).